The following is an entry in ClinVar:

NM_139057.4(ADAMTS17):c.3119C>G (p.Pro1040Arg)

Gene: ADAMTS17 (ADAM metallopeptidase with thrombospondin type 1 motif 17; minus strand). Cytogenetic location: 15q26.3.
Variant type: single nucleotide variant.
Coding change: c.3119C>G on transcript NM_139057.4 (MANE Select); coding-DNA position 3119, C replaced by G.
Protein change: p.Pro1040Arg; replaces proline 1040 with arginine.
Molecular consequence: missense variant.
Genome position (GRCh38, 1-based): chr15:99,976,053, G>C on the plus strand (C>G on the coding strand, the complement: ADAMTS17 is on the minus strand). VCF-style: chr15-99976053-G-C. GRCh37 (hg19) VCF-style: chr15-100516258-G-C.
Other names: c.3119C>G (NM_139057.2); short protein forms P1040R.
Identifiers: ClinVar variation 1399648 (VCV001399648.5), dbSNP rs1462108167, ClinGen allele CA393692332.

ClinVar aggregate classification (germline): Uncertain significance. Review status: criteria provided, multiple submitters, no conflicts (2 of 4 stars). 2 submissions from 2 submitters: Uncertain significance (2). Last evaluated 2025-06-18.

Conditions:
Inborn genetic diseases. Identifiers: MedGen C0950123, MeSH D030342.

Allele frequency attached by ClinVar (database versions not stated): gnomAD 0.00001.
gnomAD v4.1: 10 of 1,550,668 alleles (0.00064%); highest among the groups gnomAD compares: Admixed American, 0.014%; no homozygotes.

Submissions (2):

Ambry Genetics
Classification: Uncertain significance for Inborn genetic diseases. Last evaluated: 2025-06-18. Review status: criteria provided, single submitter. Criteria: Ambry Variant Classification Scheme 2023. Collection method: clinical testing. Allele origin: germline.

Labcorp Genetics (formerly Invitae), Labcorp
Classification: Uncertain significance. Last evaluated: 2021-01-12. Review status: criteria provided, single submitter. Criteria: Invitae Variant Classification Sherloc (09022015). Collection method: clinical testing. Allele origin: germline.
Comment: In summary, the available evidence is currently insufficient to determine the role of this variant in disease. Therefore, it has been classified as a Variant of Uncertain Significance. Algorithms developed to predict the effect of missense changes on protein structure and function are either unavailable or do not agree on the potential impact of this missense change (SIFT: "Not Available"; PolyPhen-2: "Probably Damaging"; Align-GVGD: "Not Available"). This variant has not been reported in the literature in individuals with ADAMTS17-related conditions. This variant is not present in population databases (ExAC no frequency). This sequence change replaces proline with arginine at codon 1040 of the ADAMTS17 protein (p.Pro1040Arg). The proline residue is highly conserved and there is a moderate physicochemical difference between proline and arginine.